The following is an entry in ClinVar:

ClinVar aggregate classification (germline): Uncertain significance (1 of 4 stars; one submission).

gnomAD v4.1: 1 of 1,614,172 alleles (0.000062%); highest among the groups gnomAD compares: Non-Finnish European, 0.000085%; no homozygotes.

Submission:

Labcorp Genetics (formerly Invitae), Labcorp
Classification: Uncertain significance. Last evaluated: 2025-04-07. Review status: criteria provided, single submitter. Criteria: Invitae Variant Classification Sherloc (09022015). Collection method: clinical testing. Allele origin: germline.
Comment: This sequence change replaces glutamic acid, which is acidic and polar, with aspartic acid, which is acidic and polar, at codon 387 of the CLUAP1 protein (p.Glu387Asp). This variant is not present in population databases (gnomAD no frequency). This variant has not been reported in the literature in individuals affected with CLUAP1-related conditions. Invitae Evidence Modeling of protein sequence and biophysical properties (such as structural, functional, and spatial information, amino acid conservation, physicochemical variation, residue mobility, and thermodynamic stability) indicates that this missense variant is not expected to disrupt CLUAP1 protein function with a negative predictive value of 80%. In summary, the available evidence is currently insufficient to determine the role of this variant in disease. Therefore, it has been classified as a Variant of Uncertain Significance.

NM_015041.3(CLUAP1):c.1161G>C (p.Glu387Asp)

Gene: CLUAP1 (clusterin associated protein 1; plus strand). Cytogenetic location: 16p13.3.
Variant type: single nucleotide variant.
Coding change: c.1161G>C on transcript NM_015041.3 (MANE Select); coding-DNA position 1161, G replaced by C.
Protein change: p.Glu387Asp; replaces glutamic acid 387 with aspartic acid.
Molecular consequence: missense variant.
Genome position (GRCh38, 1-based): chr16:3,536,190, G>C. VCF-style: chr16-3536190-G-C. GRCh37 (hg19) VCF-style: chr16-3586190-G-C.
Other names: c.1218G>C, p.Glu406Asp (NM_001330454.2); c.663G>C, p.Glu221Asp (NM_024793.3); short protein forms E387D, E406D, E221D.
Identifiers: ClinVar variation 4706247 (VCV004706247.1).
Genomic context (GRCh38, chr16:3,536,190, plus strand): 5'-GGAGGAGAGTGAAATTGACATGGAAGATGATGATGACGAGGATGACGATTTGGAAGACGA[G>C]AGCATTTCTCTCTCACCAACCAAGCCCAATCGAAGGGTCCGGAAATCTGAACCCCTGGAT-3'
Protein context (NP_055856.1, residues 377-397): DDDEDDDLED[Glu387Asp]SISLSPTKPN